The following is an entry in ClinVar:

NM_018139.3(DNAAF2):c.804C>G (p.Tyr268Ter)

Gene: DNAAF2 (dynein axonemal assembly factor 2; minus strand). Cytogenetic location: 14q21.3.
Variant type: single nucleotide variant.
Coding change: c.804C>G on transcript NM_018139.3 (MANE Select); coding-DNA position 804, C replaced by G.
Protein change: p.Tyr268Ter; replaces tyrosine 268 with a stop codon.
Molecular consequence: nonsense.
Genome position (GRCh38, 1-based): chr14:49,634,346, G>C on the plus strand (C>G on the coding strand, the complement: DNAAF2 is on the minus strand). VCF-style: chr14-49634346-G-C. GRCh37 (hg19) VCF-style: chr14-50101064-G-C.
Other names: c.804C>G, p.Tyr268Ter (NM_001083908.2); short protein forms Y268*.
Identifiers: ClinVar variation 454914 (VCV000454914.10), dbSNP rs1555328022, ClinGen allele CA389630282.

ClinVar aggregate classification (germline): Pathogenic (1 of 4 stars; one submission).

Conditions:
Primary ciliary dyskinesia. Also called: Ciliary dyskinesia. Identifiers: Orphanet 244, MedGen C0008780, MONDO:0016575, HP:0012265.

Submission:

Labcorp Genetics (formerly Invitae), Labcorp
Classification: Pathogenic for Primary ciliary dyskinesia. Last evaluated: 2022-09-27. Review status: criteria provided, single submitter. Criteria: Invitae Variant Classification Sherloc (09022015). Collection method: clinical testing. Allele origin: germline.
Comment: This sequence change creates a premature translational stop signal (p.Tyr268*) in the DNAAF2 gene. It is expected to result in an absent or disrupted protein product. Loss-of-function variants in DNAAF2 are known to be pathogenic (PMID: 19052621, 24498942). This variant is not present in population databases (gnomAD no frequency). This premature translational stop signal has been observed in individual(s) with primary ciliary dyskinesia (Invitae). ClinVar contains an entry for this variant (Variation ID: 454914). For these reasons, this variant has been classified as Pathogenic.

Literature cited by the submitters: PubMed 19052621; PubMed 24498942.